The following is an entry in ClinVar:

NM_000548.5(TSC2):c.3871G>T (p.Val1291Phe)

Gene: TSC2 (TSC complex subunit 2; plus strand). Cytogenetic location: 16p13.3.
Variant type: single nucleotide variant.
Coding change: c.3871G>T on transcript NM_000548.5 (MANE Select); coding-DNA position 3871, G replaced by T.
Protein change: p.Val1291Phe; replaces valine 1291 with phenylalanine.
Molecular consequence: missense variant. On other transcripts: intron variant (6).
Genome position (GRCh38, 1-based): chr16:2,082,492, G>T. VCF-style: chr16-2082492-G-T. GRCh37 (hg19) VCF-style: chr16-2132493-G-T.
Other names: c.3139G>T, p.Val1047Phe (NM_001318831.2); c.3739G>T, p.Val1247Phe (NM_001370404.1); c.3742G>T, p.Val1248Phe (NM_001370405.1, NM_021055.3); c.3814+694G>T (NM_001114382.3); c.3685+694G>T (NM_001363528.2); c.3682+694G>T (NM_001077183.3); c.3574+694G>T (NM_001318827.2); c.3538+694G>T (NM_001318829.2); and 1 more; short protein forms V1291F, V1047F, V1247F, V1248F.
Identifiers: ClinVar variation 567147 (VCV000567147.9), dbSNP rs201135184, ClinGen allele CA394295215.

ClinVar aggregate classification (germline): Uncertain significance. Review status: criteria provided, multiple submitters, no conflicts (2 of 4 stars). 3 submissions from 3 submitters: Uncertain significance (3). Last evaluated 2025-09-10.

Conditions:
Tuberous sclerosis syndrome (TSC). Also called: Tuberous Sclerosis Complex; Tuberous sclerosis. Identifiers: Orphanet 805, MedGen C0041341, MONDO:0001734.
Tuberous sclerosis 2 (TSC2). Identifiers: Orphanet 805, MedGen C1860707, MONDO:0013199, OMIM 613254.
Hereditary cancer-predisposing syndrome. Also called: Neoplastic Syndromes, Hereditary; Tumor predisposition; Hereditary Cancer Syndrome; Hereditary neoplastic syndrome. Identifiers: Orphanet 140162, MedGen C0027672, MeSH D009386, MONDO:0015356.

Submissions (3):

Color Diagnostics, LLC DBA Color Health
Classification: Uncertain significance for Tuberous sclerosis syndrome. Last evaluated: 2025-09-10. Review status: criteria provided, single submitter. Criteria: ACMG Guidelines, 2015. Collection method: clinical testing. Allele origin: germline.
Comment: This missense variant replaces valine with phenylalanine at codon 1291 of the TSC2 protein. Computational prediction is inconclusive regarding the impact of this variant on protein structure and function. To our knowledge, functional studies have not been reported for this variant. This variant has not been reported in individuals affected with TSC2-related disorders in the literature. This variant has not been identified in the general population by the Genome Aggregation Database (gnomAD). The available evidence is insufficient to determine the role of this variant in disease conclusively. Therefore, this variant is classified as a Variant of Uncertain Significance.

Ambry Genetics
Classification: Uncertain significance for Hereditary cancer-predisposing syndrome. Last evaluated: 2025-02-25. Review status: criteria provided, single submitter. Criteria: Ambry Variant Classification Scheme 2023. Collection method: clinical testing. Allele origin: germline.
Comment: The p.V1291F variant (also known as c.3871G>T), located in coding exon 31 of the TSC2 gene, results from a G to T substitution at nucleotide position 3871. The valine at codon 1291 is replaced by phenylalanine, an amino acid with highly similar properties. This amino acid position is poorly conserved in available vertebrate species. In addition, the in silico prediction for this alteration is inconclusive. Based on the available evidence, the clinical significance of this variant remains unclear.

Labcorp Genetics (formerly Invitae), Labcorp
Classification: Uncertain significance for Tuberous sclerosis 2. Last evaluated: 2024-04-01. Review status: criteria provided, single submitter. Criteria: Invitae Variant Classification Sherloc (09022015). Collection method: clinical testing. Allele origin: germline.
Comment: This sequence change replaces valine, which is neutral and non-polar, with phenylalanine, which is neutral and non-polar, at codon 1291 of the TSC2 protein (p.Val1291Phe). This variant is not present in population databases (gnomAD no frequency). This variant has not been reported in the literature in individuals affected with TSC2-related conditions. ClinVar contains an entry for this variant (Variation ID: 567147). Advanced modeling of protein sequence and biophysical properties (such as structural, functional, and spatial information, amino acid conservation, physicochemical variation, residue mobility, and thermodynamic stability) performed at Invitae indicates that this missense variant is not expected to disrupt TSC2 protein function with a negative predictive value of 95%. In summary, the available evidence is currently insufficient to determine the role of this variant in disease. Therefore, it has been classified as a Variant of Uncertain Significance.